The following is an entry in ClinVar:

ClinVar aggregate classification (germline): Conflicting classifications of pathogenicity. Review status: criteria provided, conflicting classifications (1 of 4 stars). 4 submissions from 4 submitters: Pathogenic (1); Likely pathogenic (1); Uncertain significance (2). Last evaluated 2025-05-23.

Conditions:
Hypertrophic cardiomyopathy 1 (CMH1). Also called: Familial hypertrophic cardiomyopathy 1; MYH7-Related Familial Hypertrophic Cardiomyopathy. Identifiers: MedGen C3495498, MONDO:0008647, OMIM 192600.
Cardiomyopathy (CMYO). Also called: Cardiomyopathies. Identifiers: Orphanet 167848, MedGen C0878544, MONDO:0004994, HP:0001638. Inheritance: Various modes of inheritance.
Hypertrophic cardiomyopathy. Also called: HYPERTROPHIC MYOCARDIOPATHY. Identifiers: Orphanet 217569, MedGen C0007194, MeSH D002312, MONDO:0005045, HP:0001639.
Cardiovascular phenotype. Identifiers: MedGen CN230736.

Allele frequency attached by ClinVar (database versions not stated): gnomAD exomes below 0.00001.
gnomAD v4.1: 1 of 1,614,210 alleles (0.000062%); highest among the groups gnomAD compares: Non-Finnish European, 0.000085%; no homozygotes.

Submissions (4):

Labcorp Genetics (formerly Invitae), Labcorp
Classification: Uncertain significance for Hypertrophic cardiomyopathy. Last evaluated: 2025-05-23. Review status: criteria provided, single submitter. Criteria: Invitae Variant Classification Sherloc (09022015). Collection method: clinical testing. Allele origin: germline.
Comment: This sequence change replaces glycine, which is neutral and non-polar, with glutamic acid, which is acidic and polar, at codon 823 of the MYH7 protein (p.Gly823Glu). This variant is not present in population databases (gnomAD no frequency). This missense change has been observed in individual(s) with hypertrophic cardiomyopathy (PMID: 19159593, 33586461). ClinVar contains an entry for this variant (Variation ID: 1791718). Invitae Evidence Modeling of protein sequence and biophysical properties (such as structural, functional, and spatial information, amino acid conservation, physicochemical variation, residue mobility, and thermodynamic stability) indicates that this missense variant is expected to disrupt MYH7 protein function with a positive predictive value of 95%. Experimental studies have shown that this missense change affects MYH7 function (PMID: 35993750). This variant disrupts the p.Gly823 amino acid residue in MYH7. Other variant(s) that disrupt this residue have been determined to be pathogenic (internal data). This suggests that this residue is clinically significant, and that variants that disrupt this residue are likely to be disease-causing. In summary, the available evidence is currently insufficient to determine the role of this variant in disease. Therefore, it has been classified as a Variant of Uncertain Significance.

CHEO Genetics Diagnostic Laboratory, Children's Hospital of Eastern Ontario
Classification: Pathogenic for Cardiomyopathy. Last evaluated: 2022-07-29. Review status: criteria provided, single submitter. Criteria: ACMG Guidelines, 2015. Collection method: clinical testing. Allele origin: germline.

Ambry Genetics
Classification: Uncertain significance for Cardiovascular phenotype. Last evaluated: 2019-03-29. Review status: criteria provided, single submitter. Criteria: Ambry Variant Classification Scheme 2023. Collection method: clinical testing. Allele origin: germline.
Comment: The p.G823E variant (also known as c.2468G>A), located in coding exon 20 of the MYH7 gene, results from a G to A substitution at nucleotide position 2468. The glycine at codon 823 is replaced by glutamic acid, an amino acid with similar properties. This variant has been reported in probands from Chinese hypertrophic cardiomyopathy (HCM) cohorts, as well as in at least one affected family member; however, limited clinical details were provided (Song L et al. Clin. Chim. Acta, 2005 Jan;351:209-16; Wang H et al. Zhonghua Yi Xue Za Zhi, 2008 Dec;88:3120-2; Zou Y et al. Mol. Biol. Rep., 2013 Jun;40:3969-76). This amino acid position is not well conserved in available vertebrate species. In addition, the in silico prediction for this alteration is inconclusive. Since supporting evidence is limited at this time, the clinical significance of this alteration remains unclear.

Juno Genomics, Hangzhou Juno Genomics, Inc
Classification: Likely pathogenic for Hypertrophic cardiomyopathy 1. Review status: criteria provided, single submitter. Criteria: ACMG Guidelines, 2015. Collection method: clinical testing. Allele origin: germline.
Comment: Absent from controls (or at extremely low frequency if recessive) in Genome Aggregation Database.;Located in a mutational hot spot and/or critical and well-established functional domain without benign variation.;Co-segregation with disease in multiple affected family members.;Well-established in vitro or in vivo functional studies supportive of a damaging effect on the gene or gene product.

Literature cited by the submitters: PubMed 19159593 (cited by Labcorp Genetics (formerly Invitae), Labcorp and Ambry Genetics); PubMed 33586461 (cited by Labcorp Genetics (formerly Invitae), Labcorp); PubMed 35993750 (cited by Labcorp Genetics (formerly Invitae), Labcorp); PubMed 15563892 (cited by Ambry Genetics); PubMed 23283745 (cited by Ambry Genetics).

NM_000257.4(MYH7):c.2468G>A (p.Gly823Glu)

Genes: MYH7 (myosin heavy chain 7; minus strand), LOC126861898 (BRD4-independent group 4 enhancer GRCh37_chr14:23893609-23894808; plus strand). Cytogenetic location: 14q11.2.
Variant type: single nucleotide variant.
Coding change: c.2468G>A on transcript NM_000257.4 (MANE Select); coding-DNA position 2468, G replaced by A.
Protein change: p.Gly823Glu; replaces glycine 823 with glutamic acid.
Molecular consequence: missense variant.
Genome position (GRCh38, 1-based): chr14:23,424,980, C>T on the plus strand (G>A on the coding strand, the complement: MYH7 is on the minus strand). VCF-style: chr14-23424980-C-T. GRCh37 (hg19) VCF-style: chr14-23894189-C-T.
Other names: c.2468G>A, p.Gly823Glu (NM_001407004.1); short protein forms G823E.
Identifiers: ClinVar variation 1791718 (VCV001791718.8), dbSNP rs1278076805, ClinGen allele CA389048349.